The following is an entry in ClinVar:

ClinVar aggregate classification (germline): Uncertain significance (1 of 4 stars; one submission).

Allele frequency attached by ClinVar (database versions not stated): gnomAD exomes below 0.00001.
gnomAD v4.1: 1 of 1,611,700 alleles (0.000062%); highest among the groups gnomAD compares: Admixed American, 0.0017%; no homozygotes.

Submission:

Labcorp Genetics (formerly Invitae), Labcorp
Classification: Uncertain significance. Last evaluated: 2025-03-31. Review status: criteria provided, single submitter. Criteria: Invitae Variant Classification Sherloc (09022015). Collection method: clinical testing. Allele origin: germline.
Comment: This sequence change replaces histidine, which is basic and polar, with asparagine, which is neutral and polar, at codon 441 of the PDP1 protein (p.His441Asn). This variant is not present in population databases (gnomAD no frequency). This variant has not been reported in the literature in individuals affected with PDP1-related conditions. ClinVar contains an entry for this variant (Variation ID: 2060382). An algorithm developed to predict the effect of missense changes on protein structure and function (PolyPhen-2) suggests that this variant is likely to be disruptive. In summary, the available evidence is currently insufficient to determine the role of this variant in disease. Therefore, it has been classified as a Variant of Uncertain Significance.

NM_018444.4(PDP1):c.1321C>A (p.His441Asn)

Gene: PDP1 (pyruvate dehydrogenase phosphatase catalytic subunit 1; plus strand). Cytogenetic location: 8q22.1.
Variant type: single nucleotide variant.
Coding change: c.1321C>A on transcript NM_018444.4 (MANE Select); coding-DNA position 1321, C replaced by A.
Protein change: p.His441Asn; replaces histidine 441 with asparagine.
Molecular consequence: missense variant.
Genome position (GRCh38, 1-based): chr8:93,923,380, C>A. VCF-style: chr8-93923380-C-A. GRCh37 (hg19) VCF-style: chr8-94935608-C-A.
Other names: c.1396C>A, p.His466Asn (NM_001161779.2, NM_001161780.2); c.1321C>A, p.His441Asn (NM_001161781.2); short protein forms H466N, H441N.
Identifiers: ClinVar variation 2060382 (VCV002060382.3), dbSNP rs2537062445, ClinGen allele CA371696628.